The following is an entry in ClinVar:

NM_006389.5(HYOU1):c.578G>A (p.Arg193His)

Gene: HYOU1 (hypoxia up-regulated 1; minus strand). Cytogenetic location: 11q23.3.
Variant type: single nucleotide variant.
Coding change: c.578G>A on transcript NM_006389.5 (MANE Select); coding-DNA position 578, G replaced by A.
Protein change: p.Arg193His; replaces arginine 193 with histidine.
Molecular consequence: missense variant.
Genome position (GRCh38, 1-based): chr11:119,054,594, C>T on the plus strand (G>A on the coding strand, the complement: HYOU1 is on the minus strand). VCF-style: chr11-119054594-C-T. GRCh37 (hg19) VCF-style: chr11-118925306-C-T.
Other names: c.578G>A, p.Arg193His (NM_001130991.3); short protein forms R193H.
Identifiers: ClinVar variation 1447142 (VCV001447142.6), dbSNP rs782401364, ClinGen allele CA229648069.

ClinVar aggregate classification (germline): Uncertain significance (1 of 4 stars; one submission).

Allele frequency attached by ClinVar (database versions not stated): TOPMed 0.00001; gnomAD 0.00004.
gnomAD v4.1: 46 of 1,614,030 alleles (0.0029%); highest among the groups gnomAD compares: East Asian, 0.0045%; no homozygotes.

Submission:

Labcorp Genetics (formerly Invitae), Labcorp
Classification: Uncertain significance. Last evaluated: 2025-10-19. Review status: criteria provided, single submitter. Criteria: Invitae Variant Classification Sherloc (09022015). Collection method: clinical testing. Allele origin: germline.
Comment: This sequence change replaces arginine, which is basic and polar, with histidine, which is basic and polar, at codon 193 of the HYOU1 protein (p.Arg193His). This variant is present in population databases (rs782401364, gnomAD 0.006%). This variant has not been reported in the literature in individuals affected with HYOU1-related conditions. ClinVar contains an entry for this variant (Variation ID: 1447142). An algorithm developed to predict the effect of missense changes on protein structure and function (PolyPhen-2) suggests that this variant is likely to be tolerated. In summary, the available evidence is currently insufficient to determine the role of this variant in disease. Therefore, it has been classified as a Variant of Uncertain Significance.